The following is an entry in ClinVar:

NC_012920.1(MT-TT):m.15909A>G

Gene: MT-TT (mitochondrially encoded tRNA threonine; plus strand).
Variant type: single nucleotide variant.
Genome position: chrM-15909-A-G.
Identifiers: ClinVar variation 690228 (VCV000690228.3), dbSNP rs1556424690, ClinGen allele CA913175174.
Genomic context (GRCh38, chrMT:15,909, plus strand): 5'-CTATCTCCCTAATTGAAAACAAAATACTCAAATGGGCCTGTCCTTGTAGTATAAACTAAT[A>G]CACCAGTCTTGTAAACCGGAGATGAAAACCTTTTTCCAAGGACAAATCAGAGAAAAAGTC-3'

ClinVar aggregate classification (germline): Likely benign (1 of 4 stars; one submission).

Conditions:
MELAS syndrome (MELAS). Also called: Juvenile myopathy, encephalopathy, lactic acidosis, stroke. Identifiers: Orphanet 550, MedGen C0162671, MONDO:0010789, OMIM 540000.

Submission:

Wong Mito Lab, Molecular and Human Genetics, Baylor College of Medicine
Classification: Likely benign for MELAS syndrome. Last evaluated: 2019-07-12. Review status: criteria provided, single submitter. Criteria: Modified ACMG Guidelines (Unpublished). Collection method: clinical testing. Allele origin: germline.
Comment: The NC_012920.1:m.15909A>G variant in MT-TT gene is interpreted to be a Likely Benign variant based on the modified ACMG guidelines (unpublished). This variant meets the following evidence codes reported in the guidelines: BS1, BP4, BP6

Literature cited by the submitters: PubMed 31965079 (cited by Wong Mito Lab, Molecular and Human Genetics, Baylor College of Medicine).